The following is an entry in ClinVar:

NM_000481.4(AMT):c.883C>T (p.Arg295Cys)

Gene: AMT (aminomethyltransferase; minus strand). Cytogenetic location: 3p21.31.
Variant type: single nucleotide variant.
Coding change: c.883C>T on transcript NM_000481.4 (MANE Select); coding-DNA position 883, C replaced by T.
Protein change: p.Arg295Cys; replaces arginine 295 with cysteine.
Molecular consequence: missense variant. On other transcripts: non-coding transcript variant (1).
Genome position (GRCh38, 1-based): chr3:49,417,968, G>A on the plus strand (C>T on the coding strand, the complement: AMT is on the minus strand). VCF-style: chr3-49417968-G-A. GRCh37 (hg19) VCF-style: chr3-49455401-G-A.
Other names: c.751C>T, p.Arg251Cys (NM_001164710.2); c.715C>T, p.Arg239Cys (NM_001164711.2); c.883C>T, p.Arg295Cys (NM_001164712.2); short protein forms R239C, R251C, R295C.
Identifiers: ClinVar variation 991887 (VCV000991887.6), dbSNP rs891522376, ClinGen allele CA74512467.

ClinVar aggregate classification (germline): Uncertain significance. Review status: criteria provided, single submitter (1 of 4 stars). 2 submissions from 2 submitters: Uncertain significance (1). 1 of the submissions does not count toward it. Last evaluated 2022-07-18.

Conditions:
Glycine encephalopathy. Also called: Non-ketotic hyperglycinemia; Nonketotic hyperglycinemia. Identifiers: Orphanet 407, MedGen C0751748, MONDO:0011612, HP:0008288.

Allele frequency attached by ClinVar (database versions not stated): gnomAD exomes 0.00001; TOPMed 0.00001.

Submissions (2):

Labcorp Genetics (formerly Invitae), Labcorp
Classification: Uncertain significance for Glycine encephalopathy. Last evaluated: 2022-07-18. Review status: criteria provided, single submitter. Criteria: Invitae Variant Classification Sherloc (09022015). Collection method: clinical testing. Allele origin: germline.
Comment: This sequence change replaces arginine, which is basic and polar, with cysteine, which is neutral and slightly polar, at codon 295 of the AMT protein (p.Arg295Cys). The frequency data for this variant in the population databases is considered unreliable, as metrics indicate poor data quality at this position in the gnomAD database. This variant has not been reported in the literature in individuals affected with AMT-related conditions. ClinVar contains an entry for this variant (Variation ID: 991887). Algorithms developed to predict the effect of missense changes on protein structure and function are either unavailable or do not agree on the potential impact of this missense change (SIFT: "Deleterious"; PolyPhen-2: "Benign"; Align-GVGD: "Class C15"). In summary, the available evidence is currently insufficient to determine the role of this variant in disease. Therefore, it has been classified as a Variant of Uncertain Significance.

Natera, Inc.
Classification: Uncertain significance for Non-ketotic hyperglycinemia. Last evaluated: 2020-09-04. Review status: no assertion criteria provided. Collection method: clinical testing. Allele origin: germline. Not counted in ClinVar's aggregate classification.